The following is an entry in ClinVar:

NM_194277.3(FRMD7):c.1969A>T (p.Ile657Phe)

Gene: FRMD7 (FERM domain containing 7; minus strand). Cytogenetic location: Xq26.2.
Variant type: single nucleotide variant.
Coding change: c.1969A>T on transcript NM_194277.3 (MANE Select); coding-DNA position 1969, A replaced by T.
Protein change: p.Ile657Phe; replaces isoleucine 657 with phenylalanine.
Molecular consequence: missense variant.
Genome position (GRCh38, 1-based): chrX:132,078,048, T>A on the plus strand (A>T on the coding strand, the complement: FRMD7 is on the minus strand). VCF-style: chrX-132078048-T-A. GRCh37 (hg19) VCF-style: chrX-131212076-T-A.
Other names: c.1924A>T, p.Ile642Phe (NM_001306193.2); short protein forms I642F, I657F.
Identifiers: ClinVar variation 1022487 (VCV001022487.8), dbSNP rs1927665699, ClinGen allele CA414677896.

ClinVar aggregate classification (germline): Uncertain significance (1 of 4 stars; one submission).

Allele frequency attached by ClinVar (database versions not stated): gnomAD exomes below 0.00001; TOPMed below 0.00001.
gnomAD v4.1: 1 of 1,211,281 alleles (0.000083%); highest among the groups gnomAD compares: East Asian, 0.003%; no homozygotes.

Submission:

Labcorp Genetics (formerly Invitae), Labcorp
Classification: Uncertain significance. Last evaluated: 2022-02-10. Review status: criteria provided, single submitter. Criteria: Invitae Variant Classification Sherloc (09022015). Collection method: clinical testing. Allele origin: germline.
Comment: Algorithms developed to predict the effect of missense changes on protein structure and function (SIFT, PolyPhen-2, Align-GVGD) all suggest that this variant is likely to be tolerated. This sequence change replaces isoleucine, which is neutral and non-polar, with phenylalanine, which is neutral and non-polar, at codon 657 of the FRMD7 protein (p.Ile657Phe). This variant is not present in population databases (gnomAD no frequency). This variant has not been reported in the literature in individuals affected with FRMD7-related conditions. ClinVar contains an entry for this variant (Variation ID: 1022487). In summary, the available evidence is currently insufficient to determine the role of this variant in disease. Therefore, it has been classified as a Variant of Uncertain Significance.